The following is an entry in ClinVar:

ClinVar aggregate classification (germline): Uncertain significance (1 of 4 stars; one submission).

Allele frequency attached by ClinVar (database versions not stated): TOPMed below 0.00001.

Submission:

Labcorp Genetics (formerly Invitae), Labcorp
Classification: Uncertain significance. Last evaluated: 2022-04-01. Review status: criteria provided, single submitter. Criteria: Invitae Variant Classification Sherloc (09022015). Collection method: clinical testing. Allele origin: germline.
Comment: In summary, the available evidence is currently insufficient to determine the role of this variant in disease. Therefore, it has been classified as a Variant of Uncertain Significance. Algorithms developed to predict the effect of sequence changes on RNA splicing suggest that this variant may create or strengthen a splice site. Algorithms developed to predict the effect of missense changes on protein structure and function output the following: SIFT: "Tolerated"; PolyPhen-2: "Benign"; Align-GVGD: "Class C0". The glycine amino acid residue is found in multiple mammalian species, which suggests that this missense change does not adversely affect protein function. This variant has not been reported in the literature in individuals affected with NSUN2-related conditions. This variant is not present in population databases (gnomAD no frequency). This sequence change replaces serine, which is neutral and polar, with glycine, which is neutral and non-polar, at codon 473 of the NSUN2 protein (p.Ser473Gly).

NM_017755.6(NSUN2):c.1417A>G (p.Ser473Gly)

Gene: NSUN2 (NOP2/Sun RNA methyltransferase 2; minus strand). Cytogenetic location: 5p15.31.
Variant type: single nucleotide variant.
Coding change: c.1417A>G on transcript NM_017755.6 (MANE Select); coding-DNA position 1417, A replaced by G.
Protein change: p.Ser473Gly; replaces serine 473 with glycine.
Molecular consequence: missense variant. On other transcripts: non-coding transcript variant (1).
Genome position (GRCh38, 1-based): chr5:6,607,291, T>C on the plus strand (A>G on the coding strand, the complement: NSUN2 is on the minus strand). VCF-style: chr5-6607291-T-C. GRCh37 (hg19) VCF-style: chr5-6607404-T-C.
Other names: c.1312A>G, p.Ser438Gly (NM_001193455.2); short protein forms S438G, S473G.
Identifiers: ClinVar variation 2120715 (VCV002120715.2), dbSNP rs1736815963, ClinGen allele CA359118507.